The following is an entry in ClinVar:

NM_001035.3(RYR2):c.14091-4G>A

Gene: RYR2 (ryanodine receptor 2; plus strand). Cytogenetic location: 1q43.
Variant type: single nucleotide variant.
Coding change: c.14091-4G>A on transcript NM_001035.3 (MANE Select); 4 bases into the intron before coding-DNA position 14091, G replaced by A.
Molecular consequence: intron variant.
Genome position (GRCh38, 1-based): chr1:237,801,852, G>A. VCF-style: chr1-237801852-G-A. GRCh37 (hg19) VCF-style: chr1-237965152-G-A.
Identifiers: ClinVar variation 1126946 (VCV001126946.11), dbSNP rs1380406964, ClinGen allele CA2499214614.

ClinVar aggregate classification (germline): Likely benign. Review status: criteria provided, multiple submitters, no conflicts (2 of 4 stars). 3 submissions from 3 submitters: Likely benign (3). Last evaluated 2025-07-14.

Conditions:
Cardiomyopathy (CMYO). Also called: Cardiomyopathies. Identifiers: Orphanet 167848, MedGen C0878544, MONDO:0004994, HP:0001638. Inheritance: Various modes of inheritance.
Catecholaminergic polymorphic ventricular tachycardia 1. Also called: VENTRICULAR TACHYCARDIA, CATECHOLAMINERGIC POLYMORPHIC, 1, WITH OR WITHOUT ATRIAL DYSFUNCTION AND/OR DILATED CARDIOMYOPATHY; RYR2-Related Catecholaminergic Polymorphic Ventricular Tachycardia; VENTRICULAR TACHYCARDIA, STRESS-INDUCED POLYMORPHIC 1. Identifiers: Orphanet 3286, MedGen C1631597, MONDO:0011484, OMIM 604772.
Catecholaminergic polymorphic ventricular tachycardia (CVPT). Also called: Catecholamine-induced polymorphic ventricular tachycardia. Identifiers: Orphanet 3286, MedGen C5574922, MONDO:0017990.

Allele frequency attached by ClinVar (database versions not stated): gnomAD exomes below 0.00001.
gnomAD v4.1: 2 of 1,538,386 alleles (0.00013%); highest among the groups gnomAD compares: South Asian, 0.0024%; no homozygotes.

Submissions (3):

Labcorp Genetics (formerly Invitae), Labcorp
Classification: Likely benign for Catecholaminergic polymorphic ventricular tachycardia 1. Last evaluated: 2025-07-14. Review status: criteria provided, single submitter. Criteria: Invitae Variant Classification Sherloc (09022015). Collection method: clinical testing. Allele origin: germline.

All of Us Research Program, National Institutes of Health
Classification: Likely benign for Catecholaminergic polymorphic ventricular tachycardia. Last evaluated: 2023-11-02. Review status: criteria provided, single submitter. Criteria: ACMG Guidelines, 2015. Collection method: clinical testing. Allele origin: germline. Inheritance: Autosomal dominant inheritance. Observed: 1 variant allele, 1 heterozygote.
Comment: This study involves interpretation of variants in research participants for the purpose of population health screening. Participant phenotype was not available at the time of variant classification. Additional details can be found in publication PMID: 35346344, PMCID: PMC8962531

Color Diagnostics, LLC DBA Color Health
Classification: Likely benign for Cardiomyopathy. Last evaluated: 2023-10-26. Review status: criteria provided, single submitter. Criteria: ACMG Guidelines, 2015. Collection method: clinical testing. Allele origin: germline.